The following is an entry in ClinVar:

NM_000138.5(FBN1):c.7178dup (p.Arg2394fs)

Gene: FBN1 (fibrillin 1; minus strand). Cytogenetic location: 15q21.1.
Variant type: Duplication.
Coding change: c.7178dup on transcript NM_000138.5 (MANE Select); coding-DNA position 7178, one base duplicated (G; older notation c.7178dupG).
Protein change: p.Arg2394fs; shifts the reading frame from arginine 2394.
Molecular consequence: frameshift variant.
Genome position (GRCh38, 1-based): chr15:48,427,593, C duplicated on the plus strand (G on the coding strand, the reverse complement: FBN1 is on the minus strand); the first of 2 consecutive C bases (chr15:48,427,593-48,427,594); duplicating either gives the same sequence. VCF-style (leftmost placement, unchanged base first): chr15-48427592-G-GC. GRCh37 (hg19) VCF-style: chr15-48719789-G-GC.
Other names: c.7178dupG (NM_000138.4); short protein forms R2394fs.
Identifiers: ClinVar variation 643850 (VCV000643850.6), dbSNP rs1597517771, ClinGen allele CA915946632.

ClinVar aggregate classification (germline): Pathogenic (1 of 4 stars; one submission).

Conditions:
Familial thoracic aortic aneurysm and aortic dissection (TAAD). Also called: Thoracic aortic aneurysms and dissections. Identifiers: Orphanet 91387, MedGen C4707243, MONDO:0019625.
Marfan syndrome (MFS). Also called: FBN1-Related Marfan Syndrome; Marfan syndrome type 1; Marfan's syndrome; Marfan syndrome, classic; MARFAN SYNDROME, TYPE I. Identifiers: Orphanet 284963, Orphanet 558, MedGen C0024796, MONDO:0007947, OMIM 154700.

Submission:

Labcorp Genetics (formerly Invitae), Labcorp
Classification: Pathogenic for Marfan syndrome; Familial thoracic aortic aneurysm and aortic dissection. Last evaluated: 2018-07-15. Review status: criteria provided, single submitter. Criteria: Invitae Variant Classification Sherloc (09022015). Collection method: clinical testing. Allele origin: germline.
Comment: For these reasons, this variant has been classified as Pathogenic. Loss-of-function variants in FBN1 are known to be pathogenic (PMID: 17657824, 19293843). This variant has not been reported in the literature in individuals with FBN1-related disease. This variant is not present in population databases (ExAC no frequency). This sequence change creates a premature translational stop signal (p.Arg2394Profs*12) in the FBN1 gene. It is expected to result in an absent or disrupted protein product.

Literature cited by the submitters: PubMed 17657824; PubMed 19293843.